The following is an entry in ClinVar:

ClinVar aggregate classification (germline): Pathogenic (1 of 4 stars; one submission).

Conditions:
Glycogen storage disease, type II (IOPD). Also called: Pompe Disease; CARDIOMEGALIA GLYCOGENICA DIFFUSA; GLYCOGENOSIS, GENERALIZED, CARDIAC FORM; GSD II; POMPE DISEASE, INFANTILE-ONSET; GLYCOGEN STORAGE DISEASE II, INFANTILE-ONSET. Identifiers: Orphanet 365, MedGen C0017921, MONDO:0009290, OMIM 232300.

Submission:

Genomenon, Inc
Classification: Pathogenic for Glycogen storage disease, type II. Last evaluated: 2026-07-01. Review status: criteria provided, single submitter. Criteria: Genomenon Sequence Variant Interpretation Standards - Updated. Collection method: curation. Allele origin: germline. Affected: yes.
Comment: GAA p.Gly759ArgfsTer37 (c.2274dup) is a frameshift variant that is predicted to introduce a premature termination codon and result in a truncated or absent protein product. This variant has been observed in at least one proband with a GAA-related disorder (PMID:36137614). It is absent or not present at a significant frequency in gnomAD. In conclusion, we classify GAA p.Gly759ArgfsTer37 (c.2274dup) as a pathogenic variant.

Literature cited by the submitters: PubMed 36137614.

NM_000152.5(GAA):c.2274dup (p.Gly759fs)

Gene: GAA (alpha glucosidase; plus strand). Cytogenetic location: 17q25.3.
Variant type: Duplication.
Coding change: c.2274dup on transcript NM_000152.5 (MANE Select); coding-DNA position 2274, one base duplicated (C; older notation c.2274dupC).
Protein change: p.Gly759fs; shifts the reading frame from glycine 759.
Molecular consequence: frameshift variant.
Genome position (GRCh38, 1-based): chr17:80,117,052, C duplicated; the last of 2 consecutive C bases (chr17:80,117,051-80,117,052); duplicating either gives the same sequence. VCF-style (leftmost placement, unchanged base first): chr17-80117050-G-GC. GRCh37 (hg19) VCF-style: chr17-78090849-G-GC.
Other names: c.2274dup, p.Gly759fs (NM_001079803.3, NM_001079804.3, NM_001406741.1 and 1 more transcripts); short protein forms G759fs.
Identifiers: ClinVar variation 4876533 (VCV004876533.1).